The following is an entry in ClinVar:

NM_004958.4(MTOR):c.4571-7T>A

Genes: MTOR (mechanistic target of rapamycin kinase; minus strand), MTOR-AS1 (MTOR antisense RNA 1; plus strand). Cytogenetic location: 1p36.22.
Variant type: single nucleotide variant.
Coding change: c.4571-7T>A on transcript NM_004958.4 (MANE Select); 7 bases into the intron before coding-DNA position 4571, T replaced by A.
Molecular consequence: intron variant.
Genome position (GRCh38, 1-based): chr1:11,146,798, A>T on the plus strand (T>A on the coding strand, the complement: MTOR is on the minus strand). VCF-style: chr1-11146798-A-T. GRCh37 (hg19) VCF-style: chr1-11206855-A-T.
Other names: c.3323-7T>A (NM_001386501.1); c.4571-7T>A (NM_001386500.1).
Identifiers: ClinVar variation 1426763 (VCV001426763.6), dbSNP rs2100520027, ClinGen allele CA2573130823.

ClinVar aggregate classification (germline): Uncertain significance (1 of 4 stars; one submission).

Submission:

Labcorp Genetics (formerly Invitae), Labcorp
Classification: Uncertain significance. Last evaluated: 2025-07-21. Review status: criteria provided, single submitter. Criteria: Invitae Variant Classification Sherloc (09022015). Collection method: clinical testing. Allele origin: germline.
Comment: This sequence change falls in intron 31 of the MTOR gene. It does not directly change the encoded amino acid sequence of the MTOR protein. This variant is not present in population databases (gnomAD no frequency). This variant has not been reported in the literature in individuals affected with MTOR-related conditions. ClinVar contains an entry for this variant (Variation ID: 1426763). Algorithms developed to predict the effect of sequence changes on RNA splicing suggest that this variant may disrupt the consensus splice site. In summary, the available evidence is currently insufficient to determine the role of this variant in disease. Therefore, it has been classified as a Variant of Uncertain Significance.